The following is an entry in ClinVar:

ClinVar aggregate classification (germline): Likely benign (0 of 4 stars; one submission).

Conditions:
SYNRG-related disorder. Also called: SYNRG-related condition.

Allele frequency attached by ClinVar (database versions not stated): ExAC 0.00054; gnomAD 0.00167; ESP Exome Variant Server 0.00185; TOPMed 0.00211; 1000 Genomes Project 0.00240; 1000 Genomes Project 30x 0.00281.
gnomAD v4.1: 446 of 1,614,222 alleles (0.028%); highest among the groups gnomAD compares: African/African-American, 0.52%; 1 homozygote.

Submission:

PreventionGenetics, part of Exact Sciences
Classification: Likely benign for SYNRG-related condition. Last evaluated: 2019-02-22. Review status: no assertion criteria provided. Collection method: clinical testing. Allele origin: germline.
Comment: This variant is classified as likely benign based on ACMG/AMP sequence variant interpretation guidelines (Richards et al. 2015 PMID: 25741868, with internal and published modifications).

NM_007247.6(SYNRG):c.2960A>C (p.Asp987Ala)

Genes: SYNRG (synergin gamma; minus strand), LOC126862546 (MED14-independent group 3 enhancer GRCh37_chr17:35901785-35902984; plus strand). Cytogenetic location: 17q12.
Variant type: single nucleotide variant.
Coding change: c.2960A>C on transcript NM_007247.6 (MANE Select); coding-DNA position 2960, A replaced by C.
Protein change: p.Asp987Ala; replaces aspartic acid 987 with alanine.
Molecular consequence: missense variant.
Genome position (GRCh38, 1-based): chr17:37,542,214, T>G on the plus strand (A>C on the coding strand, the complement: SYNRG is on the minus strand). VCF-style: chr17-37542214-T-G. GRCh37 (hg19) VCF-style: chr17-35902316-T-G.
Other names: c.2726A>C, p.Asp909Ala (NM_001163544.3, NM_080550.5, NM_198882.3); c.2723A>C, p.Asp908Ala (NM_001163545.3); c.2591A>C, p.Asp864Ala (NM_001163546.3); c.2342A>C, p.Asp781Ala (NM_001163547.3); c.3263A>C, p.Asp1088Ala (NM_001405103.1); c.*753A>C (NM_080551.1); short protein forms D1088A, D781A, D864A, D908A, D909A, D987A.
Identifiers: ClinVar variation 3052889 (VCV003052889.2), dbSNP rs138000514, ClinGen allele CA8517345.